The following is an entry in ClinVar:

ClinVar aggregate classification (germline): Conflicting classifications of pathogenicity. Review status: criteria provided, conflicting classifications (1 of 4 stars). 4 submissions from 3 submitters: Uncertain significance (3); Likely benign (1). Last evaluated 2025-03-14.

Conditions:
Emery-Dreifuss muscular dystrophy 4, autosomal dominant (EDMD4). Also called: EMERY-DREIFUSS MUSCULAR DYSTROPHY 4 WITH VARIABLE FEATURES. Identifiers: Orphanet 261, MedGen C2751807, MONDO:0013071, OMIM 612998.
Autosomal recessive ataxia, Beauce type. Also called: ATAXIA, RECESSIVE, OF BEAUCE; SYNE1 Deficiency; SYNE1-Related Autosomal Recessive Cerebellar Ataxia; Spinocerebellar ataxia, autosomal recessive 8. Identifiers: Orphanet 88644, MedGen C1853116, MONDO:0012549, OMIM 610743.

Allele frequency attached by ClinVar (database versions not stated): gnomAD 0.00003 and 0.00004; ExAC 0.00004; gnomAD exomes 0.00004 and 0.00010; TOPMed 0.00004; ESP Exome Variant Server 0.00008.
gnomAD v4.1: 149 of 1,613,894 alleles (0.0092%); highest among the groups gnomAD compares: Non-Finnish European, 0.012%; no homozygotes.

Submissions (4):

GeneDx
Classification: Uncertain significance. Last evaluated: 2025-03-14. Review status: criteria provided, single submitter. Criteria: GeneDx Variant Classification Process June 2021. Collection method: clinical testing. Allele origin: germline. Affected: yes.
Comment: In silico analysis supports that this missense variant has a deleterious effect on protein structure/function; Has not been previously published as pathogenic or benign to our knowledge

Labcorp Genetics (formerly Invitae), Labcorp
Classification: Uncertain significance for Emery-Dreifuss muscular dystrophy 4, autosomal dominant; Autosomal recessive ataxia, Beauce type. Last evaluated: 2024-11-04. Review status: criteria provided, single submitter. Criteria: Invitae Variant Classification Sherloc (09022015). Collection method: clinical testing. Allele origin: germline.
Comment: This sequence change replaces arginine, which is basic and polar, with glutamine, which is neutral and polar, at codon 8195 of the SYNE1 protein (p.Arg8195Gln). This variant is present in population databases (rs200137670, gnomAD 0.009%). This variant has not been reported in the literature in individuals affected with SYNE1-related conditions. ClinVar contains an entry for this variant (Variation ID: 907226). An algorithm developed to predict the effect of missense changes on protein structure and function outputs the following: PolyPhen-2: "Benign". The glutamine amino acid residue is found in multiple mammalian species, which suggests that this missense change does not adversely affect protein function. In summary, the available evidence is currently insufficient to determine the role of this variant in disease. Therefore, it has been classified as a Variant of Uncertain Significance.

Illumina Laboratory Services, Illumina
Classification: Likely benign for Emery-Dreifuss muscular dystrophy 4, autosomal dominant. Last evaluated: 2018-01-13. Review status: criteria provided, single submitter. Criteria: ICSL Variant Classification Criteria 13 December 2019. Collection method: clinical testing. Allele origin: germline.
Comment: This variant was observed in the ICSL laboratory as part of a predisposition screen in an ostensibly healthy population. It had not been previously curated by ICSL or reported in the Human Gene Mutation Database (HGMD: prior to June 1st, 2018), and was therefore a candidate for classification through an automated scoring system. Utilizing variant allele frequency, disease prevalence and penetrance estimates, and inheritance mode, an automated score was calculated to assess if this variant is too frequent to cause the disease. Based on the score and internal cut-off values, a variant classified as likely benign is not then subjected to further curation. The score for this variant resulted in a classification of likely benign for this disease.

Illumina Laboratory Services, Illumina
Classification: Uncertain significance for Autosomal recessive ataxia, Beauce type. Last evaluated: 2018-01-13. Review status: criteria provided, single submitter. Criteria: ICSL Variant Classification Criteria 13 December 2019. Collection method: clinical testing. Allele origin: germline.

NM_182961.4(SYNE1):c.24797G>A (p.Arg8266Gln)

Gene: SYNE1 (spectrin repeat containing nuclear envelope protein 1; minus strand). Cytogenetic location: 6q25.2.
Variant type: single nucleotide variant.
Coding change: c.24797G>A on transcript NM_182961.4 (MANE Select); coding-DNA position 24797, G replaced by A.
Protein change: p.Arg8266Gln; replaces arginine 8266 with glutamine.
Molecular consequence: missense variant.
Genome position (GRCh38, 1-based): chr6:152,148,224, C>T on the plus strand (G>A on the coding strand, the complement: SYNE1 is on the minus strand). VCF-style: chr6-152148224-C-T. GRCh37 (hg19) VCF-style: chr6-152469359-C-T.
Other names: c.1403G>A, p.Arg468Gln (NM_001347701.2); c.1262G>A, p.Arg421Gln (NM_001347702.2); c.24584G>A, p.Arg8195Gln (NM_033071.5); short protein forms R421Q, R8195Q, R8266Q, R468Q.
Identifiers: ClinVar variation 907226 (VCV000907226.9), dbSNP rs200137670, ClinGen allele CA4053069.
Genomic context (GRCh38, chr6:152,148,224, plus strand): 5'-TCCCACTCCAGGGGGATGGAGTCCACACTAGCCGGGGTGTCTCGTCCTGACCGCTCGCTC[C>T]GGAGGGGCTGAGCGAGCGAGAGGGAGAGATTGGAGGAAGGCTGTGGAGAAAGCAGGCTGT-3'
Protein context (NP_892006.3, residues 8256-8276): NLSLSLAQPL[Arg8266Gln]SERSGRDTPA